The following is an entry in ClinVar:

NM_133497.4(KCNV2):c.855G>T (p.Met285Ile)

Gene: KCNV2 (potassium voltage-gated channel modifier subfamily V member 2; plus strand). Cytogenetic location: 9p24.2.
Variant type: single nucleotide variant.
Coding change: c.855G>T on transcript NM_133497.4 (MANE Select); coding-DNA position 855, G replaced by T.
Protein change: p.Met285Ile; replaces methionine 285 with isoleucine.
Molecular consequence: missense variant.
Genome position (GRCh38, 1-based): chr9:2,718,594, G>T. VCF-style: chr9-2718594-G-T. GRCh37 (hg19) VCF-style: chr9-2718594-G-T.
Other names: short protein forms M285I.
Identifiers: ClinVar variation 836829 (VCV000836829.10), dbSNP rs768649666, ClinGen allele CA372799688.

ClinVar aggregate classification (germline): Uncertain significance (1 of 4 stars; one submission).

gnomAD v4.1: 1 of 1,613,014 alleles (0.000062%); highest among the groups gnomAD compares: Non-Finnish European, 0.000085%; no homozygotes.

Submission:

Labcorp Genetics (formerly Invitae), Labcorp
Classification: Uncertain significance. Last evaluated: 2019-12-30. Review status: criteria provided, single submitter. Criteria: Invitae Variant Classification Sherloc (09022015). Collection method: clinical testing. Allele origin: germline.
Comment: In summary, the available evidence is currently insufficient to determine the role of this variant in disease. Therefore, it has been classified as a Variant of Uncertain Significance. Algorithms developed to predict the effect of missense changes on protein structure and function output the following: SIFT: "Deleterious"; PolyPhen-2: "Benign"; Align-GVGD: "Class C0". The isoleucine amino acid residue is found in multiple mammalian species, suggesting that this missense change does not adversely affect protein function. These predictions have not been confirmed by published functional studies and their clinical significance is uncertain. This variant has not been reported in the literature in individuals with KCNV2-related conditions. This variant is not present in population databases (ExAC no frequency). This sequence change replaces methionine with isoleucine at codon 285 of the KCNV2 protein (p.Met285Ile). The methionine residue is highly conserved and there is a small physicochemical difference between methionine and isoleucine.